The following is an entry in ClinVar:

NM_003036.4(SKI):c.30_38del (p.Cys10_Pro13delinsTrp)

Gene: SKI (SKI proto-oncogene; plus strand). Cytogenetic location: 1p36.33.
Variant type: Deletion.
Coding change: c.30_38del on transcript NM_003036.4 (MANE Select); coding-DNA positions 30 to 38, 9 bases deleted (TTTCCAGCC; older notation c.30_38delTTTCCAGCC).
Protein change: p.Cys10_Pro13delinsTrp.
Molecular consequence: inframe indel.
Genome position (GRCh38, 1-based): chr1:2,228,796-2,228,804, TTTCCAGCC deleted. VCF-style (leftmost placement, unchanged base first): chr1-2228795-GTTTCCAGCC-G. GRCh37 (hg19) VCF-style: chr1-2160234-GTTTCCAGCC-G.
Identifiers: ClinVar variation 3644928 (VCV003644928.2).

ClinVar aggregate classification (germline): Uncertain significance (1 of 4 stars; one submission).

Conditions:
Shprintzen-Goldberg syndrome (SGS). Also called: Marfanoid disorder with craniosynostosis type 1; Marfanoid craniosynostosis syndrome; Shprintzen-Goldberg marfanoid syndrome; SHPRINTZEN-GOLDBERG CRANIOSYNOSTOSIS SYNDROME; CRANIOSYNOSTOSIS WITH ARACHNODACTYLY AND ABDOMINAL HERNIAS. Identifiers: Orphanet 2462, MedGen C1321551, MONDO:0008426, OMIM 182212.

Submission:

Labcorp Genetics (formerly Invitae), Labcorp
Classification: Uncertain significance for Shprintzen-Goldberg syndrome. Last evaluated: 2024-03-07. Review status: criteria provided, single submitter. Criteria: Invitae Variant Classification Sherloc (09022015). Collection method: clinical testing. Allele origin: germline.
Comment: This variant, c.30_38del, is a complex sequence change that results in the deletion of 4 and insertion of 1 amino acid(s) in the SKI protein (p.Cys10_Pro13delinsTrp). This variant is not present in population databases (gnomAD no frequency). This variant has not been reported in the literature in individuals affected with SKI-related conditions. Experimental studies and prediction algorithms are not available or were not evaluated, and the functional significance of this variant is currently unknown. In summary, the available evidence is currently insufficient to determine the role of this variant in disease. Therefore, it has been classified as a Variant of Uncertain Significance.